The following is an entry in ClinVar:

NM_000186.4(CFH):c.2389T>C (p.Trp797Arg)

Gene: CFH (complement factor H; plus strand). Cytogenetic location: 1q31.3.
Variant type: single nucleotide variant.
Coding change: c.2389T>C on transcript NM_000186.4 (MANE Select); coding-DNA position 2389, T replaced by C.
Protein change: p.Trp797Arg; replaces tryptophan 797 with arginine.
Molecular consequence: missense variant.
Genome position (GRCh38, 1-based): chr1:196,728,498, T>C. VCF-style: chr1-196728498-T-C. GRCh37 (hg19) VCF-style: chr1-196697628-T-C.
Other names: short protein forms W797R.
Identifiers: ClinVar variation 4291473 (VCV004291473.1).

ClinVar aggregate classification (germline): Uncertain significance (1 of 4 stars; one submission).

Conditions:
Atypical hemolytic-uremic syndrome. Identifiers: Orphanet 2134, MedGen C2931788, MONDO:0016244.
Basal laminar drusen. Also called: DRUSEN OF BRUCH MEMBRANE; DRUSEN, CUTICULAR; DRUSEN, EARLY ADULT-ONSET, GROUPED. Identifiers: Orphanet 75376, MedGen C0730295, MONDO:0007472, OMIM 126700.
Factor H deficiency (CFHD). Also called: COMPLEMENT FACTOR H DEFICIENCY; CFH DEFICIENCY. Identifiers: Orphanet 200421, MedGen C0398777, MONDO:0012350, OMIM 609814.
Age related macular degeneration 4. Identifiers: MedGen C1853147, MONDO:0012540, OMIM 610698.

gnomAD v4.1: 1 of 1,612,756 alleles (0.000062%); highest among the groups gnomAD compares: Non-Finnish European, 0.000085%; no homozygotes.

Submission:

Genomenon, Inc
Classification: Uncertain significance for Basal laminar drusen; Age related macular degeneration 4; Atypical hemolytic-uremic syndrome; Factor H deficiency. Last evaluated: 2025-10-02. Review status: criteria provided, single submitter. Criteria: Genomenon Sequence Variant Interpretation Standards - Updated. Collection method: curation. Allele origin: germline. Affected: no.
Comment: CFH p.Trp797Arg (c.2389T>C) is a missense variant that changes the amino acid at residue 797 from Tryptophan to Arginine. This variant has been reported in the published literature (PMID:26283675). It is absent or not present at a significant frequency in gnomAD. In conclusion, we classify CFH p.Trp797Arg (c.2389T>C) as a variant of uncertain significance.

Literature cited by the submitters: PubMed 26283675.